The following is an entry in ClinVar:

NM_000170.3(GLDC):c.23G>A (p.Trp8Ter)

Gene: GLDC (glycine decarboxylase; minus strand). Cytogenetic location: 9p24.1.
Variant type: single nucleotide variant.
Coding change: c.23G>A on transcript NM_000170.3 (MANE Select); coding-DNA position 23, G replaced by A.
Protein change: p.Trp8Ter; replaces tryptophan 8 with a stop codon.
Molecular consequence: nonsense.
Genome position (GRCh38, 1-based): chr9:6,645,477, C>T on the plus strand (G>A on the coding strand, the complement: GLDC is on the minus strand). VCF-style: chr9-6645477-C-T. GRCh37 (hg19) VCF-style: chr9-6645477-C-T.
Other names: short protein forms W8*.
Identifiers: ClinVar variation 552944 (VCV000552944.10), dbSNP rs1477860542, ClinGen allele CA372887569.

ClinVar aggregate classification (germline): Pathogenic. Review status: criteria provided, single submitter (1 of 4 stars). 2 submissions from 2 submitters: Pathogenic (1). 1 of the submissions does not count toward it. Last evaluated 2023-02-22.

Conditions:
Glycine encephalopathy 1 (GCE1). Identifiers: MedGen CN376801, MONDO:0958179, OMIM 605899.
Glycine encephalopathy. Also called: Non-ketotic hyperglycinemia; Nonketotic hyperglycinemia. Identifiers: Orphanet 407, MedGen C0751748, MONDO:0011612, HP:0008288.

Submissions (2):

Labcorp Genetics (formerly Invitae), Labcorp
Classification: Pathogenic for Glycine encephalopathy. Last evaluated: 2023-02-22. Review status: criteria provided, single submitter. Criteria: Invitae Variant Classification Sherloc (09022015). Collection method: clinical testing. Allele origin: germline.
Comment: For these reasons, this variant has been classified as Pathogenic. ClinVar contains an entry for this variant (Variation ID: 552944). This premature translational stop signal has been observed in individual(s) with classic nonketotic hyperglycinemia (PMID: 27362913). This variant is not present in population databases (gnomAD no frequency). This sequence change creates a premature translational stop signal (p.Trp8*) in the GLDC gene. It is expected to result in an absent or disrupted protein product. Loss-of-function variants in GLDC are known to be pathogenic (PMID: 16601880).

Counsyl
Classification: Likely pathogenic for Glycine encephalopathy 1. Last evaluated: 2017-07-19. Review status: no assertion criteria provided. Collection method: clinical testing. Allele origin: unknown. Not counted in ClinVar's aggregate classification.

Literature cited by the submitters: PubMed 27362913 (cited by Labcorp Genetics (formerly Invitae), Labcorp); PubMed 16601880 (cited by Labcorp Genetics (formerly Invitae), Labcorp).